The following is an entry in ClinVar:

NM_001077350.3(NPRL3):c.768-6T>C

Genes: HBA-LCR (alpha-globin locus control region; plus strand), NPRL3 (NPR3 like, GATOR1 complex subunit; minus strand). Cytogenetic location: 16p13.3.
Variant type: single nucleotide variant.
Coding change: c.768-6T>C on transcript NM_001077350.3 (MANE Select); 6 bases into the intron before coding-DNA position 768, T replaced by C.
Molecular consequence: intron variant.
Genome position (GRCh38, 1-based): chr16:98,307, A>G on the plus strand (T>C on the coding strand, the complement: NPRL3 is on the minus strand). VCF-style: chr16-98307-A-G. GRCh37 (hg19) VCF-style: chr16-148305-A-G.
Other names: c.534-6T>C (NM_001243247.2); c.693-6T>C (NM_001243248.2, NM_001243249.2); c.231-6T>C (NM_001039476.3).
Identifiers: ClinVar variation 2122726 (VCV002122726.4), dbSNP rs1421848159, ClinGen allele CA725865282.

ClinVar aggregate classification (germline): Uncertain significance (1 of 4 stars; one submission).

Conditions:
Epilepsy, familial focal, with variable foci 3 (FFEVF3). Identifiers: MedGen C4310708, MONDO:0014925, OMIM 617118.

Allele frequency attached by ClinVar (database versions not stated): gnomAD exomes below 0.00001; gnomAD 0.00001; TOPMed 0.00001.
gnomAD v4.1: 7 of 1,610,396 alleles (0.00043%); highest among the groups gnomAD compares: Non-Finnish European, 0.00059%; no homozygotes.

Submission:

Labcorp Genetics (formerly Invitae), Labcorp
Classification: Uncertain significance for Epilepsy, familial focal, with variable foci 3. Last evaluated: 2022-09-23. Review status: criteria provided, single submitter. Criteria: Invitae Variant Classification Sherloc (09022015). Collection method: clinical testing. Allele origin: germline.
Comment: This sequence change falls in intron 8 of the NPRL3 gene. It does not directly change the encoded amino acid sequence of the NPRL3 protein. This variant is not present in population databases (gnomAD no frequency). This variant has not been reported in the literature in individuals affected with NPRL3-related conditions. Algorithms developed to predict the effect of sequence changes on RNA splicing suggest that this variant may disrupt the consensus splice site. In summary, the available evidence is currently insufficient to determine the role of this variant in disease. Therefore, it has been classified as a Variant of Uncertain Significance.